The following is an entry in ClinVar:

ClinVar aggregate classification (germline): Uncertain significance. Review status: criteria provided, multiple submitters, no conflicts (2 of 4 stars). 2 submissions from 2 submitters: Uncertain significance (2). Last evaluated 2024-09-17.

Allele frequency attached by ClinVar (database versions not stated): TOPMed below 0.00001; gnomAD 0.00001; ExAC 0.00002; gnomAD exomes 0.00002; ESP Exome Variant Server 0.00008.
gnomAD v4.1: 27 of 1,611,788 alleles (0.0017%); highest among the groups gnomAD compares: South Asian, 0.0066%; no homozygotes.

Submissions (2):

Labcorp Genetics (formerly Invitae), Labcorp
Classification: Uncertain significance. Last evaluated: 2024-09-17. Review status: criteria provided, single submitter. Criteria: Invitae Variant Classification Sherloc (09022015). Collection method: clinical testing. Allele origin: germline.
Comment: This sequence change replaces serine, which is neutral and polar, with leucine, which is neutral and non-polar, at codon 467 of the GPR161 protein (p.Ser467Leu). This variant is present in population databases (rs376463579, gnomAD 0.007%). This variant has not been reported in the literature in individuals affected with GPR161-related conditions. An algorithm developed to predict the effect of missense changes on protein structure and function (PolyPhen-2) suggests that this variant is likely to be tolerated. In summary, the available evidence is currently insufficient to determine the role of this variant in disease. Therefore, it has been classified as a Variant of Uncertain Significance.

Ambry Genetics
Classification: Uncertain significance. Last evaluated: 2023-12-21. Review status: criteria provided, single submitter. Criteria: Ambry Variant Classification Scheme 2023. Collection method: clinical testing. Allele origin: germline.

NM_001375883.1(GPR161):c.1340C>T (p.Ser447Leu)

Gene: GPR161 (G protein-coupled receptor 161; minus strand). Cytogenetic location: 1q24.2.
Variant type: single nucleotide variant.
Coding change: c.1340C>T on transcript NM_001375883.1 (MANE Select); coding-DNA position 1340, C replaced by T.
Protein change: p.Ser447Leu; replaces serine 447 with leucine.
Molecular consequence: missense variant.
Genome position (GRCh38, 1-based): chr1:168,085,781, G>A on the plus strand (C>T on the coding strand, the complement: GPR161 is on the minus strand). VCF-style: chr1-168085781-G-A. GRCh37 (hg19) VCF-style: chr1-168055019-G-A.
Other names: c.1400C>T, p.Ser467Leu (NM_001267609.1); c.1340C>T, p.Ser447Leu (NM_001375884.1, NM_001375885.1, NM_001381909.1 and 5 more transcripts); c.1391C>T, p.Ser464Leu (NM_001267611.1); c.944C>T, p.Ser315Leu (NM_001267612.2, NM_001349635.1); c.1106C>T, p.Ser369Leu (NM_001267613.1); c.998C>T, p.Ser333Leu (NM_001267614.1); short protein forms S369L, S315L, S333L, S464L, S467L, S447L.
Identifiers: ClinVar variation 3101580 (VCV003101580.3), dbSNP rs376463579, ClinGen allele CA1229455.
Genomic context (GRCh38, chr1:168,085,781, plus strand): 5'-GCCAAGCTTGCTGCGTAACTGTCCAAGGACTTGTGTACTTCAGCTTTCACATGAAGAATC[G>A]AGTTCTTGGCAGCTTCTGAGGGAGAAGGCAGAAAAAAAAGTCAGCTGAGGAGCCAGGCCT-3'
Protein context (NP_001362812.1, residues 437-457): VEQIKEAAKN[Ser447Leu]ILHVKAEVHK